The following is an entry in ClinVar:

ClinVar aggregate classification (germline): Uncertain significance. Review status: criteria provided, multiple submitters, no conflicts (2 of 4 stars). 2 submissions from 2 submitters: Uncertain significance (2). Last evaluated 2025-10-17.

Conditions:
Autosomal recessive limb-girdle muscular dystrophy type 2J (LGMDR10). Also called: Limb-girdle muscular dystrophy, type 2J; MUSCULAR DYSTROPHY, LIMB-GIRDLE, AUTOSOMAL RECESSIVE 10. Identifiers: Orphanet 140922, MedGen C1837342, MONDO:0012127, OMIM 608807.
Dilated cardiomyopathy 1G (CMD1G). Identifiers: Orphanet 154, MedGen C1858763, MONDO:0011400, OMIM 604145.

gnomAD v4.1: 1 of 1,613,912 alleles (0.000062%); highest among the groups gnomAD compares: Admixed American, 0.0017%; no homozygotes.

Submissions (2):

Labcorp Genetics (formerly Invitae), Labcorp
Classification: Uncertain significance for Dilated cardiomyopathy 1G; Autosomal recessive limb-girdle muscular dystrophy type 2J. Last evaluated: 2025-10-17. Review status: criteria provided, single submitter. Criteria: Invitae Variant Classification Sherloc (09022015). Collection method: clinical testing. Allele origin: germline.
Comment: This sequence change replaces histidine, which is basic and polar, with arginine, which is basic and polar, at codon 34782 of the TTN protein (p.His34782Arg). This variant is present in population databases (no rsID available, gnomAD 0.003%). This variant has not been reported in the literature in individuals affected with TTN-related conditions. ClinVar contains an entry for this variant (Variation ID: 3769807). An algorithm developed to predict the effect of missense changes on protein structure and function outputs the following: PolyPhen-2: "Not Available". The arginine amino acid residue is found in multiple mammalian species, which suggests that this missense change does not adversely affect protein function. This variant is located in the M band of TTN (PMID: 25589632). Non-truncating variants in this region may be relevant for neuromuscular disorders, but have not been definitively shown to cause cardiomyopathy (PMID: 23975875). In summary, the available evidence is currently insufficient to determine the role of this variant in disease. Therefore, it has been classified as a Variant of Uncertain Significance.

GeneDx
Classification: Uncertain significance. Last evaluated: 2024-09-16. Review status: criteria provided, single submitter. Criteria: GeneDx Variant Classification Process June 2021. Collection method: clinical testing. Allele origin: germline. Affected: yes.
Comment: Not observed at significant frequency in large population cohorts (gnomAD); Missense variant in a gene in which most reported pathogenic variants are truncating/loss of function; Has not been previously published as pathogenic or benign to our knowledge

Literature cited by the submitters: PubMed 25589632 (cited by Labcorp Genetics (formerly Invitae), Labcorp); PubMed 23975875 (cited by Labcorp Genetics (formerly Invitae), Labcorp).

NM_001267550.2(TTN):c.104345A>G (p.His34782Arg)

Genes: TTN-AS1 (TTN antisense RNA 1; plus strand), TTN (titin; minus strand). Cytogenetic location: 2q31.2.
Variant type: single nucleotide variant.
Coding change: c.104345A>G on transcript NM_001267550.2 (MANE Select); coding-DNA position 104345, A replaced by G.
Protein change: p.His34782Arg; replaces histidine 34782 with arginine.
Molecular consequence: missense variant.
Genome position (GRCh38, 1-based): chr2:178,532,270, T>C on the plus strand (A>G on the coding strand, the complement: TTN is on the minus strand). VCF-style: chr2-178532270-T-C. GRCh37 (hg19) VCF-style: chr2-179396997-T-C.
Other names: c.99422A>G, p.His33141Arg (NM_001256850.1); c.77150A>G, p.His25717Arg (NM_003319.4); c.96641A>G, p.His32214Arg (NM_133378.4); c.77525A>G, p.His25842Arg (NM_133432.3); c.77726A>G, p.His25909Arg (NM_133437.4); short protein forms H25717R, H25842R, H25909R, H32214R, H33141R, H34782R.
Identifiers: ClinVar variation 3769807 (VCV003769807.2).
Genomic context (GRCh38, chr2:178,532,270, plus strand): 5'-TTCTTTCTAGACTTTTCCTCCTTTGACATGAAGTCAAGTTCGCTTTTGTATTCTGAGAGA[T>C]GCTGGGTGGTCGTAACTGGGCGAAGCAACTCTTCATCCTCCCTCTCAGCCATGATTCTTT-3'
Protein context (NP_001254479.2, residues 34772-34792): ELLRPVTTTQ[His34782Arg]LSEYKSELDF